The following is an entry in ClinVar:

ClinVar aggregate classification (germline): Uncertain significance. Review status: criteria provided, multiple submitters, no conflicts (2 of 4 stars). 2 submissions from 2 submitters: Uncertain significance (2). Last evaluated 2025-02-21.

Allele frequency attached by ClinVar (database versions not stated): TOPMed 0.00008; gnomAD 0.00005; ExAC 0.00005; ESP Exome Variant Server 0.00008.
gnomAD v4.1: 159 of 1,613,782 alleles (0.0099%); highest among the groups gnomAD compares: Middle Eastern, 0.033%; no homozygotes.

Submissions (2):

ARUP Laboratories, Molecular Genetics and Genomics, ARUP Laboratories
Classification: Uncertain significance. Last evaluated: 2025-02-21. Review status: criteria provided, single submitter. Criteria: ARUP Molecular Germline Variant Investigation Process 2024. Collection method: clinical testing. Allele origin: germline.
Comment: The CYB5R3 c.479G>A; p.Arg160Gln variant (rs147079106), to our knowledge, is not reported in the medical literature but is reported in ClinVar (Variation ID: 2191033). This variant is found in the general population with an overall allele frequency of 0.008% (23/282808 alleles) in the Genome Aggregation Database (v2.1.1). Computational analyses are uncertain whether this variant is neutral or deleterious (REVEL: 0.249). Due to limited information, the clinical significance of this variant is uncertain at this time.

Labcorp Genetics (formerly Invitae), Labcorp
Classification: Uncertain significance. Last evaluated: 2024-10-16. Review status: criteria provided, single submitter. Criteria: Invitae Variant Classification Sherloc (09022015). Collection method: clinical testing. Allele origin: germline.
Comment: This sequence change replaces arginine, which is basic and polar, with glutamine, which is neutral and polar, at codon 160 of the CYB5R3 protein (p.Arg160Gln). This variant is present in population databases (rs147079106, gnomAD 0.02%). This variant has not been reported in the literature in individuals affected with CYB5R3-related conditions. ClinVar contains an entry for this variant (Variation ID: 2191033). Invitae Evidence Modeling of protein sequence and biophysical properties (such as structural, functional, and spatial information, amino acid conservation, physicochemical variation, residue mobility, and thermodynamic stability) indicates that this missense variant is not expected to disrupt CYB5R3 protein function with a negative predictive value of 95%. In summary, the available evidence is currently insufficient to determine the role of this variant in disease. Therefore, it has been classified as a Variant of Uncertain Significance.

NM_000398.7(CYB5R3):c.479G>A (p.Arg160Gln)

Gene: CYB5R3 (cytochrome b5 reductase 3; minus strand). Cytogenetic location: 22q13.2.
Variant type: single nucleotide variant.
Coding change: c.479G>A on transcript NM_000398.7 (MANE Select); coding-DNA position 479, G replaced by A.
Protein change: p.Arg160Gln; replaces arginine 160 with glutamine.
Molecular consequence: missense variant.
Genome position (GRCh38, 1-based): chr22:42,627,673, C>T on the plus strand (G>A on the coding strand, the complement: CYB5R3 is on the minus strand). VCF-style: chr22-42627673-C-T. GRCh37 (hg19) VCF-style: chr22-43023679-C-T.
Other names: c.479G>A, p.Arg160Gln (NM_001031678.1); c.410G>A, p.Arg137Gln (NM_001129819.2, NM_001171661.1, NM_007326.4); c.578G>A, p.Arg193Gln (NM_001171660.2); short protein forms R193Q, R137Q, R160Q.
Identifiers: ClinVar variation 2191033 (VCV002191033.4), dbSNP rs147079106, ClinGen allele CA10269724.